The following is an entry in ClinVar:

ClinVar aggregate classification (germline): Pathogenic/Likely pathogenic. Review status: criteria provided, multiple submitters, no conflicts (2 of 4 stars). 2 submissions from 2 submitters: Pathogenic (1); Likely pathogenic (1). Last evaluated 2021-11-03.

Conditions:
Autosomal recessive nonsyndromic hearing loss 18B. Also called: Deafness, autosomal recessive 18b. Identifiers: Orphanet 90636, MedGen C3554163, MONDO:0013985, OMIM 614945.

Submissions (2):

Labcorp Genetics (formerly Invitae), Labcorp
Classification: Pathogenic. Last evaluated: 2021-11-03. Review status: criteria provided, single submitter. Criteria: Invitae Variant Classification Sherloc (09022015). Collection method: clinical testing. Allele origin: germline.
Comment: For these reasons, this variant has been classified as Pathogenic. Algorithms developed to predict the effect of sequence changes on RNA splicing suggest that this variant may disrupt the consensus splice site. Disruption of this splice site has been observed in individual(s) with nonsyndromic deafness (Invitae). In at least one individual the data is consistent with the variant being in trans (on the opposite chromosome) from a pathogenic variant. This variant is not present in population databases (gnomAD no frequency). This sequence change affects a splice site in intron 17 of the OTOG gene. It is expected to disrupt RNA splicing. Variants that disrupt the donor or acceptor splice site typically lead to a loss of protein function (PMID: 16199547), and loss-of-function variants in OTOG are known to be pathogenic (PMID: 23122587).

Juno Genomics, Hangzhou Juno Genomics, Inc
Classification: Likely pathogenic for Autosomal recessive nonsyndromic hearing loss 18B. Review status: criteria provided, single submitter. Criteria: ACMG Guidelines, 2015. Collection method: clinical testing. Allele origin: germline.
Comment: Null variant in a gene where loss of function (LOF) is a known mechanism of disease.;Absent from controls (or at extremely low frequency if recessive) in Genome Aggregation Database.

Literature cited by the submitters: PubMed 16199547 (cited by Labcorp Genetics (formerly Invitae), Labcorp); PubMed 23122587 (cited by Labcorp Genetics (formerly Invitae), Labcorp).

NM_001292063.2(OTOG):c.2080+2_2080+12del

Gene: OTOG (otogelin; plus strand). Cytogenetic location: 11p15.1.
Variant type: Deletion.
Coding change: c.2080+2_2080+12del on transcript NM_001292063.2 (MANE Select); the canonical splice donor site of the intron after coding-DNA position 2080 through 12 bases into the intron after coding-DNA position 2080, 11 bases deleted (TGAGTTGGTGG).
Molecular consequence: splice donor variant.
Genome position (GRCh38, 1-based): chr11:17,572,206-17,572,216, TGAGTTGGTGG deleted; deleting any 11 consecutive bases within chr11:17,572,204-17,572,216 gives the same sequence; the c. name uses the placement nearest the transcript's 3' end. VCF-style (leftmost placement, unchanged base first): chr11-17572203-CGGTGAGTTGGT-C. GRCh37 (hg19) VCF-style: chr11-17593750-CGGTGAGTTGGT-C.
Other names: c.2116+2_2116+12del (NM_001277269.2).
Identifiers: ClinVar variation 1389922 (VCV001389922.8), dbSNP rs2134025769, ClinGen allele CA2573146105.